The following is an entry in ClinVar:

ClinVar aggregate classification (germline): Likely benign. Review status: criteria provided, single submitter (1 of 4 stars). 2 submissions from 2 submitters: Likely benign (1). 1 of the submissions does not count toward it. Last evaluated 2023-07-29.

Conditions:
Inborn genetic diseases. Identifiers: MedGen C0950123, MeSH D030342.
ANO6-related disorder. Also called: ANO6-related condition.

Allele frequency attached by ClinVar (database versions not stated): gnomAD 0.00003; TOPMed 0.00003; ExAC 0.00004; gnomAD exomes 0.00005.
gnomAD v4.1: 75 of 1,614,006 alleles (0.0046%); highest among the groups gnomAD compares: South Asian, 0.031%; no homozygotes.

Submissions (2):

Ambry Genetics
Classification: Likely benign for Inborn genetic diseases. Last evaluated: 2023-07-29. Review status: criteria provided, single submitter. Criteria: Ambry Variant Classification Scheme 2023. Collection method: clinical testing. Allele origin: germline.

PreventionGenetics, part of Exact Sciences
Classification: Uncertain significance for ANO6-related condition. Last evaluated: 2024-03-28. Review status: no assertion criteria provided. Collection method: clinical testing. Allele origin: germline. Not counted in ClinVar's aggregate classification.
Comment: The ANO6 c.2381G>A variant is predicted to result in the amino acid substitution p.Gly794Glu. To our knowledge, this variant has not been reported in the literature. This variant is reported in 0.020% of alleles in individuals of South Asian descent in gnomAD. At this time, the clinical significance of this variant is uncertain due to the absence of conclusive functional and genetic evidence.

NM_001025356.3(ANO6):c.2381G>A (p.Gly794Glu)

Gene: ANO6 (anoctamin 6; plus strand). Cytogenetic location: 12q12.
Variant type: single nucleotide variant.
Coding change: c.2381G>A on transcript NM_001025356.3 (MANE Select); coding-DNA position 2381, G replaced by A.
Protein change: p.Gly794Glu; replaces glycine 794 with glutamic acid.
Molecular consequence: missense variant.
Genome position (GRCh38, 1-based): chr12:45,421,234, G>A. VCF-style: chr12-45421234-G-A. GRCh37 (hg19) VCF-style: chr12-45815017-G-A.
Other names: c.2327G>A, p.Gly776Glu (NM_001142678.2); c.2381G>A, p.Gly794Glu (NM_001142679.2); c.2444G>A, p.Gly815Glu (NM_001204803.2); c.2348G>A, p.Gly783Glu (NM_001410973.1); short protein forms G783E, G794E, G815E, G776E.
Identifiers: ClinVar variation 2588426 (VCV002588426.3), dbSNP rs762616253, ClinGen allele CA6525595.